The following is an entry in ClinVar:

NM_018136.5(ASPM):c.1390T>C (p.Phe464Leu)

Gene: ASPM (assembly factor for spindle microtubules; minus strand). Cytogenetic location: 1q31.3.
Variant type: single nucleotide variant.
Coding change: c.1390T>C on transcript NM_018136.5 (MANE Select); coding-DNA position 1390, T replaced by C.
Protein change: p.Phe464Leu; replaces phenylalanine 464 with leucine.
Molecular consequence: missense variant.
Genome position (GRCh38, 1-based): chr1:197,142,862, A>G on the plus strand (T>C on the coding strand, the complement: ASPM is on the minus strand). VCF-style: chr1-197142862-A-G. GRCh37 (hg19) VCF-style: chr1-197111992-A-G.
Other names: c.1390T>C, p.Phe464Leu (NM_001206846.2); short protein forms F464L.
Identifiers: ClinVar variation 507124 (VCV000507124.1), dbSNP rs1553227739, ClinGen allele CA344016503.

ClinVar aggregate classification (germline): Likely benign (1 of 4 stars; one submission).

Submission:

GeneDx
Classification: Likely benign. Last evaluated: 2017-02-02. Review status: criteria provided, single submitter. Criteria: GeneDx Variant Classification (06012015). Collection method: clinical testing. Allele origin: germline. Affected: yes.
Comment: This variant is considered likely benign or benign based on one or more of the following criteria: it is a conservative change, it occurs at a poorly conserved position in the protein, it is predicted to be benign by multiple in silico algorithms, and/or has population frequency not consistent with disease.